The following is an entry in ClinVar:

NM_021116.4(ADCY1):c.1450A>G (p.Ile484Val)

Gene: ADCY1 (adenylate cyclase 1; plus strand). Cytogenetic location: 7p12.3.
Variant type: single nucleotide variant.
Coding change: c.1450A>G on transcript NM_021116.4 (MANE Select); coding-DNA position 1450, A replaced by G.
Protein change: p.Ile484Val; replaces isoleucine 484 with valine.
Molecular consequence: missense variant.
Genome position (GRCh38, 1-based): chr7:45,662,059, A>G. VCF-style: chr7-45662059-A-G. GRCh37 (hg19) VCF-style: chr7-45701658-A-G.
Other names: c.775A>G, p.Ile259Val (NM_001281768.2); short protein forms I259V, I484V.
Identifiers: ClinVar variation 2802204 (VCV002802204.3), dbSNP rs1247050201, ClinGen allele CA367452101.

ClinVar aggregate classification (germline): Uncertain significance (1 of 4 stars; one submission).

gnomAD v4.1: 3 of 1,613,632 alleles (0.00019%); highest among the groups gnomAD compares: Middle Eastern, 0.016%; no homozygotes.

Submission:

Labcorp Genetics (formerly Invitae), Labcorp
Classification: Uncertain significance. Last evaluated: 2023-07-07. Review status: criteria provided, single submitter. Criteria: Invitae Variant Classification Sherloc (09022015). Collection method: clinical testing. Allele origin: germline.
Comment: In summary, the available evidence is currently insufficient to determine the role of this variant in disease. Therefore, it has been classified as a Variant of Uncertain Significance. An algorithm developed to predict the effect of missense changes on protein structure and function (PolyPhen-2) suggests that this variant is likely to be tolerated. This sequence change replaces isoleucine, which is neutral and non-polar, with valine, which is neutral and non-polar, at codon 484 of the ADCY1 protein (p.Ile484Val). This variant is not present in population databases (gnomAD no frequency). This variant has not been reported in the literature in individuals affected with ADCY1-related conditions.